The following is an entry in ClinVar:

ClinVar aggregate classification (germline): Uncertain significance. Review status: criteria provided, multiple submitters, no conflicts (2 of 4 stars). 8 submissions from 5 submitters: Uncertain significance (8). Last evaluated 2025-05-21.

Conditions:
Cone-rod dystrophy 12 (CORD12). Identifiers: Orphanet 1872, MedGen C2675210, MONDO:0012983, OMIM 612657.
Retinal macular dystrophy type 2 (MCDR2). Also called: Bull's eye macular dystrophy. Identifiers: Orphanet 319640, MedGen C4749334, MONDO:0011957, OMIM 608051.
Stargardt disease 4 (STGD4). Identifiers: Orphanet 827, MedGen C1863534, MONDO:0011370, OMIM 603786.
Inborn genetic diseases. Identifiers: MedGen C0950123, MeSH D030342.
Retinitis pigmentosa (RP). Identifiers: Orphanet 791, MedGen C0035334, MeSH D012174, MONDO:0019200, OMIM 268000. Inheritance: Autosomal dominant, autosomal recessive and X linked inheritance.

Allele frequency attached by ClinVar (database versions not stated): ExAC 0.00001; TOPMed 0.00006; ESP Exome Variant Server 0.00008; gnomAD 0.00011.
gnomAD v4.1: 27 of 1,613,670 alleles (0.0017%); highest among the groups gnomAD compares: Admixed American, 0.035%; no homozygotes.

Submissions (8):

Ambry Genetics
Classification: Uncertain significance for Inborn genetic diseases. Last evaluated: 2025-05-21. Review status: criteria provided, single submitter. Criteria: Ambry Variant Classification Scheme 2023. Collection method: clinical testing. Allele origin: germline.

Labcorp Genetics (formerly Invitae), Labcorp
Classification: Uncertain significance. Last evaluated: 2024-11-05. Review status: criteria provided, single submitter. Criteria: Invitae Variant Classification Sherloc (09022015). Collection method: clinical testing. Allele origin: germline.
Comment: This sequence change replaces arginine, which is basic and polar, with tryptophan, which is neutral and slightly polar, at codon 186 of the PROM1 protein (p.Arg186Trp). This variant is present in population databases (rs369512467, gnomAD 0.02%). This missense change has been observed in individual(s) with retinitis pigmentosa (internal data). ClinVar contains an entry for this variant (Variation ID: 348006). Invitae Evidence Modeling of protein sequence and biophysical properties (such as structural, functional, and spatial information, amino acid conservation, physicochemical variation, residue mobility, and thermodynamic stability) indicates that this missense variant is not expected to disrupt PROM1 protein function with a negative predictive value of 80%. In summary, the available evidence is currently insufficient to determine the role of this variant in disease. Therefore, it has been classified as a Variant of Uncertain Significance.

Blueprint Genetics
Classification: Uncertain significance. Last evaluated: 2023-04-17. Review status: criteria provided, single submitter. Criteria: ACMG Guidelines, 2015. Collection method: clinical testing. Allele origin: germline.

CeGaT Center for Human Genetics Tuebingen
Classification: Uncertain significance. Last evaluated: 2022-02-01. Review status: criteria provided, single submitter. Criteria: CeGaT Center For Human Genetics Tuebingen Variant Classification Criteria Version 2. Collection method: clinical testing. Allele origin: germline. Affected: yes. Observed: 1 variant allele.

Illumina Laboratory Services, Illumina
Classification: Uncertain significance for Stargardt disease 4. Last evaluated: 2018-01-13. Review status: criteria provided, single submitter. Criteria: ICSL Variant Classification Criteria 13 December 2019. Collection method: clinical testing. Allele origin: germline.

Illumina Laboratory Services, Illumina
Classification: Uncertain significance for Retinitis pigmentosa. Last evaluated: 2018-01-13. Review status: criteria provided, single submitter. Criteria: ICSL Variant Classification Criteria 13 December 2019. Collection method: clinical testing. Allele origin: germline.

Illumina Laboratory Services, Illumina
Classification: Uncertain significance for Retinal macular dystrophy type 2. Last evaluated: 2018-01-13. Review status: criteria provided, single submitter. Criteria: ICSL Variant Classification Criteria 13 December 2019. Collection method: clinical testing. Allele origin: germline.

Illumina Laboratory Services, Illumina
Classification: Uncertain significance for Cone-rod dystrophy 12. Last evaluated: 2018-01-13. Review status: criteria provided, single submitter. Criteria: ICSL Variant Classification Criteria 13 December 2019. Collection method: clinical testing. Allele origin: germline.

NM_006017.3(PROM1):c.556C>T (p.Arg186Trp)

Gene: PROM1 (prominin 1; minus strand). Cytogenetic location: 4p15.32.
Variant type: single nucleotide variant.
Coding change: c.556C>T on transcript NM_006017.3 (MANE Select); coding-DNA position 556, C replaced by T.
Protein change: p.Arg186Trp; replaces arginine 186 with tryptophan.
Molecular consequence: missense variant.
Genome position (GRCh38, 1-based): chr4:16,025,266, G>A on the plus strand (C>T on the coding strand, the complement: PROM1 is on the minus strand). VCF-style: chr4-16025266-G-A. GRCh37 (hg19) VCF-style: chr4-16026889-G-A.
Other names: c.529C>T, p.Arg177Trp (NM_001145847.2, NM_001145848.2, NM_001145851.2 and 4 more transcripts); c.556C>T, p.Arg186Trp (NM_001145849.2, NM_001145850.2); short protein forms R186W, R177W.
Identifiers: ClinVar variation 348006 (VCV000348006.44), dbSNP rs369512467, ClinGen allele CA2867045.
Genomic context (GRCh38, chr4:16,025,266, plus strand): 5'-TCAAGAGAGTTCGCAAGTCCTTGAAATTGCTATCTGCCAGTTTCCGACTCCTTTTGATCC[G>A]GGTTCTTACCTGGTGATTTGCCACAAAACCATAGAAGATGCCAATGCTGCAGGAAAAGGC-3'
Protein context (NP_006008.1, residues 176-196): GFVANHQVRT[Arg186Trp]IKRSRKLADS